The following is an entry in ClinVar:

ClinVar aggregate classification (germline): Pathogenic. Review status: criteria provided, multiple submitters, no conflicts (2 of 4 stars). 4 submissions from 4 submitters: Pathogenic (4). Last evaluated 2025-12-22.

Conditions:
X-linked ARX-related disorders.
Developmental and epileptic encephalopathy, 1 (DEE1). Also called: X-linked infantile spasms; West's syndrome; Tonic spasms with clustering, arrest of psychomotor development and hypsarrhythmia on EEG; X-Linked Infantile Spasm Syndrome; OHTAHARA SYNDROME, X-LINKED; Epileptic encephalopathy, early infantile, 1. Identifiers: MedGen C3463992, MONDO:0010632, OMIM 308350. Disease mechanism: loss of function.
Intellectual disability, X-linked, with or without seizures, ARX-related. Also called: INTELLECTUAL DEVELOPMENTAL DISORDER, X-LINKED 29; Mental retardation, X-linked 52; MENTAL RETARDATION, X-LINKED 29; MENTAL RETARDATION, X-LINKED 32; MENTAL RETARDATION, X-LINKED 33; MENTAL RETARDATION, X-LINKED 38. Identifiers: Orphanet 777, MedGen C0796244, MONDO:0010317, OMIM 300419.

Submissions (4):

Variantyx, Inc.
Classification: Pathogenic for X-linked ARX-related disorders. Last evaluated: 2025-12-22. Review status: criteria provided, single submitter. Criteria: Variantyx Assertion Criteria 2022. Collection method: clinical testing. Allele origin: maternal. Inheritance: X-linked recessive inheritance. Affected: yes.
Comment: This is a nonsense variant in the ARX gene (OMIM: 300382). Pathogenic variants in this gene have been associated with X-linked ARX-related disorders. This variant likely occurred de novo in an individual reported in the published literature with epilepsy, severe intellectual disability, and dystonia; however, the possibility of parental germline mosaicism cannot be excluded (PMID: 37879892) (PS2). This variant introduces a premature termination codon in exon 3 out of 5 and is expected to result in loss of function, which is a known disease mechanism for ARX in this disorder (PMID: 12379852, 14722918) (PVS1). This variant is absent from control populations (PM2). Based on the current evidence, this variant is classified as pathogenic for X-linked ARX-related disorders.

Labcorp Genetics (formerly Invitae), Labcorp
Classification: Pathogenic for Developmental and epileptic encephalopathy, 1; Intellectual disability, X-linked, with or without seizures, ARX-related. Last evaluated: 2023-06-25. Review status: criteria provided, single submitter. Criteria: Invitae Variant Classification Sherloc (09022015). Collection method: clinical testing. Allele origin: germline.
Comment: For these reasons, this variant has been classified as Pathogenic. ClinVar contains an entry for this variant (Variation ID: 157739). This variant has not been reported in the literature in individuals affected with ARX-related conditions. This variant is not present in population databases (gnomAD no frequency). This sequence change creates a premature translational stop signal (p.Arg371*) in the ARX gene. It is expected to result in an absent or disrupted protein product. Loss-of-function variants in ARX are known to be pathogenic (PMID: 19439424, 19738637).

Eurofins Ntd Llc (ga)
Classification: Pathogenic. Last evaluated: 2017-06-01. Review status: criteria provided, single submitter. Criteria: EGL Classification Definitions 2015. Collection method: clinical testing. Allele origin: germline. Observed: 1 variant allele, 1 heterozygote.

Genetic Services Laboratory, University of Chicago
Classification: Pathogenic. Last evaluated: 2013-02-25. Review status: criteria provided, single submitter. Criteria: ACMG Guidelines, 2007. Collection method: clinical testing. Allele origin: germline. Inheritance: X-linked inheritance. Affected: yes.

Literature cited by the submitters: PubMed 12379852 (cited by Variantyx, Inc.); PubMed 14722918 (cited by Variantyx, Inc.); PubMed 37879892 (cited by Variantyx, Inc.); PubMed 19439424 (cited by Labcorp Genetics (formerly Invitae), Labcorp); PubMed 19738637 (cited by Labcorp Genetics (formerly Invitae), Labcorp).

NM_139058.3(ARX):c.1111C>T (p.Arg371Ter)

Gene: ARX (aristaless related homeobox; minus strand). Cytogenetic location: Xp21.3.
Variant type: single nucleotide variant.
Coding change: c.1111C>T on transcript NM_139058.3 (MANE Select); coding-DNA position 1111, C replaced by T.
Protein change: p.Arg371Ter; replaces arginine 371 with a stop codon.
Molecular consequence: nonsense.
Genome position (GRCh38, 1-based): chrX:25,010,268, G>A on the plus strand (C>T on the coding strand, the complement: ARX is on the minus strand). VCF-style: chrX-25010268-G-A. GRCh37 (hg19) VCF-style: chrX-25028385-G-A.
Other names: short protein forms R371*.
Identifiers: ClinVar variation 157739 (VCV000157739.13), dbSNP rs587783182, ClinGen allele CA233280.
Genomic context (GRCh38, chrX:25,010,268, plus strand): 5'-CCACTGGCCCCCAGCCCTCCTCCCTCCCTCTTCCCTCTGTTGTGCAGCTCACCTGGACTC[G>A]GGCCTCGGTCAAGTCCAGCCTCATGGCCAGTTCCTCCCTATAAGAAAGCAACACACAGAC-3'